The following is an entry in ClinVar:

NM_032581.4(HYCC1):c.518C>G (p.Thr173Arg)

Gene: HYCC1 (hyccin PI4KA lipid kinase complex subunit 1; minus strand). Cytogenetic location: 7p15.3.
Variant type: single nucleotide variant.
Coding change: c.518C>G on transcript NM_032581.4 (MANE Select); coding-DNA position 518, C replaced by G.
Protein change: p.Thr173Arg; replaces threonine 173 with arginine.
Molecular consequence: missense variant.
Genome position (GRCh38, 1-based): chr7:22,976,705, G>C on the plus strand (C>G on the coding strand, the complement: HYCC1 is on the minus strand). VCF-style: chr7-22976705-G-C. GRCh37 (hg19) VCF-style: chr7-23016324-G-C.
Other names: c.518C>G, p.Thr173Arg (NM_001363466.2, NM_001363467.2); short protein forms T173R.
Identifiers: ClinVar variation 1970917 (VCV001970917.4), dbSNP rs2534431120, ClinGen allele CA366975113.

ClinVar aggregate classification (germline): Uncertain significance (1 of 4 stars; one submission).

Conditions:
Hypomyelination and Congenital Cataract (HLD5). Also called: hypomyelinating leukodystrophy 5. Identifiers: Orphanet 85163, MedGen C1864663, MONDO:0012514, OMIM 610532.

Submission:

Labcorp Genetics (formerly Invitae), Labcorp
Classification: Uncertain significance for Hypomyelination and Congenital Cataract. Last evaluated: 2022-01-16. Review status: criteria provided, single submitter. Criteria: Invitae Variant Classification Sherloc (09022015). Collection method: clinical testing. Allele origin: germline.
Comment: This sequence change replaces threonine, which is neutral and polar, with arginine, which is basic and polar, at codon 173 of the FAM126A protein (p.Thr173Arg). This variant is not present in population databases (gnomAD no frequency). This variant has not been reported in the literature in individuals affected with FAM126A-related conditions. Algorithms developed to predict the effect of missense changes on protein structure and function are either unavailable or do not agree on the potential impact of this missense change (SIFT: "Tolerated"; PolyPhen-2: "Possibly Damaging"; Align-GVGD: "Class C0"). In summary, the available evidence is currently insufficient to determine the role of this variant in disease. Therefore, it has been classified as a Variant of Uncertain Significance.